The following is an entry in ClinVar:

ClinVar aggregate classification (germline): Likely benign. Review status: criteria provided, multiple submitters, no conflicts (2 of 4 stars). 3 submissions from 3 submitters: Likely benign (2). 1 of the submissions does not count toward it. Last evaluated 2025-01-23.

Conditions:
FANCA-related disorder. Also called: FANCA-related condition.
Fanconi anemia (FA). Also called: Fanconi's anemia. Identifiers: Orphanet 84, MedGen C0015625, MeSH D005199, MONDO:0019391.
Inborn genetic diseases. Identifiers: MedGen C0950123, MeSH D030342.

Allele frequency attached by ClinVar (database versions not stated): gnomAD exomes below 0.00001 and 0.00001; ExAC 0.00001; gnomAD 0.00001; TOPMed 0.00001.

Submissions (3):

Ambry Genetics
Classification: Likely benign for Inborn genetic diseases. Last evaluated: 2025-01-23. Review status: criteria provided, single submitter. Criteria: Ambry Variant Classification Scheme 2023. Collection method: clinical testing. Allele origin: germline.

Labcorp Genetics (formerly Invitae), Labcorp
Classification: Likely benign for Fanconi anemia. Last evaluated: 2024-10-27. Review status: criteria provided, single submitter. Criteria: Invitae Variant Classification Sherloc (09022015). Collection method: clinical testing. Allele origin: germline.

PreventionGenetics, part of Exact Sciences
Classification: Likely benign for FANCA-related condition. Last evaluated: 2024-03-04. Review status: no assertion criteria provided. Collection method: clinical testing. Allele origin: germline. Not counted in ClinVar's aggregate classification.
Comment: This variant is classified as likely benign based on ACMG/AMP sequence variant interpretation guidelines (Richards et al. 2015 PMID: 25741868, with internal and published modifications).

NM_000135.4(FANCA):c.3612G>A (p.Arg1204=)

Gene: FANCA (FA complementation group A; minus strand). Cytogenetic location: 16q24.3.
Variant type: single nucleotide variant.
Coding change: c.3612G>A on transcript NM_000135.4 (MANE Select); coding-DNA position 3612, G replaced by A.
Protein change: p.Arg1204=; no amino-acid change (arginine 1204 retained).
Molecular consequence: synonymous variant.
Genome position (GRCh38, 1-based): chr16:89,744,973, C>T on the plus strand (G>A on the coding strand, the complement: FANCA is on the minus strand). VCF-style: chr16-89744973-C-T. GRCh37 (hg19) VCF-style: chr16-89811381-C-T.
Other names: c.3612G>A, p.Arg1204= (NM_001286167.3); c.3612G>A (NM_000135.2).
Identifiers: ClinVar variation 1654028 (VCV001654028.11), dbSNP rs762402959, ClinGen allele CA8251080.
Genomic context (GRCh38, chr16:89,744,973, plus strand): 5'-GAAGTGCATCTGGGCGGGCACACCCCATCTCACCACCCACACGTACTCGCTGGCAAACTG[C>T]CGGCCTTCTTGTAGCTTCTGCAGTTCCCGGGGCAGCGGGCTCTGGCAGTGTCTCCTCCAC-3'
Protein context (NP_000126.2, residues 1194-1214): PRELQKLQEG[Arg1204=]QFASDFLSPE